The following is an entry in ClinVar:

NM_021076.4(NEFH):c.2176G>C (p.Val726Leu)

Gene: NEFH (neurofilament heavy chain; plus strand). Cytogenetic location: 22q12.2.
Variant type: single nucleotide variant.
Coding change: c.2176G>C on transcript NM_021076.4 (MANE Select); coding-DNA position 2176, G replaced by C.
Protein change: p.Val726Leu; replaces valine 726 with leucine.
Molecular consequence: missense variant.
Genome position (GRCh38, 1-based): chr22:29,489,816, G>C. VCF-style: chr22-29489816-G-C. GRCh37 (hg19) VCF-style: chr22-29885805-G-C.
Other names: short protein forms V726L.
Identifiers: ClinVar variation 1350647 (VCV001350647.9), dbSNP rs1051285707, ClinGen allele CA323088581.
Genomic context (GRCh38, chr22:29,489,816, plus strand): 5'-GAGAAGGCCAAGTCCCCAGTGAAGGAAGAAGCAAAGTCCCCTGAGAAGGCCAAGTCCCCA[G>C]TGAAGGAAGAAGCAAAGACCCCCGAGAAGGCCAAGTCCCCAGTGAAGGAAGAAGCTAAGT-3'
Protein context (NP_066554.2, residues 716-736): AKSPEKAKSP[Val726Leu]KEEAKTPEKA

ClinVar aggregate classification (germline): Uncertain significance. Review status: criteria provided, multiple submitters, no conflicts (2 of 4 stars). 2 submissions from 2 submitters: Uncertain significance (2). Last evaluated 2026-02-25.

Conditions:
Inborn genetic diseases. Identifiers: MedGen C0950123, MeSH D030342.

Allele frequency attached by ClinVar (database versions not stated): gnomAD exomes 0.00002; TOPMed 0.00002; gnomAD 0.00004.
gnomAD v4.1: 16 of 1,610,608 alleles (0.00099%); highest among the groups gnomAD compares: African/African-American, 0.0054%; no homozygotes.

Submissions (2):

Ambry Genetics
Classification: Uncertain significance for Inborn genetic diseases. Last evaluated: 2026-02-25. Review status: criteria provided, single submitter. Criteria: Ambry Variant Classification Scheme 2023. Collection method: clinical testing. Allele origin: germline.

Labcorp Genetics (formerly Invitae), Labcorp
Classification: Uncertain significance. Last evaluated: 2023-12-13. Review status: criteria provided, single submitter. Criteria: Invitae Variant Classification Sherloc (09022015). Collection method: clinical testing. Allele origin: germline.
Comment: This sequence change replaces valine, which is neutral and non-polar, with leucine, which is neutral and non-polar, at codon 726 of the NEFH protein (p.Val726Leu). This variant is present in population databases (no rsID available, gnomAD 0.004%). This missense change has been observed in individual(s) with amyotrophic lateral sclerosis (PMID: 28717666). ClinVar contains an entry for this variant (Variation ID: 1350647). Advanced modeling of protein sequence and biophysical properties (such as structural, functional, and spatial information, amino acid conservation, physicochemical variation, residue mobility, and thermodynamic stability) performed at Invitae indicates that this missense variant is not expected to disrupt NEFH protein function with a negative predictive value of 95%. In summary, the available evidence is currently insufficient to determine the role of this variant in disease. Therefore, it has been classified as a Variant of Uncertain Significance.

Literature cited by the submitters: PubMed 28717666 (cited by Labcorp Genetics (formerly Invitae), Labcorp).